The following is an entry in ClinVar:

ClinVar aggregate classification (germline): Uncertain significance (1 of 4 stars; one submission).

Submission:

GeneDx
Classification: Uncertain significance. Last evaluated: 2024-10-04. Review status: criteria provided, single submitter. Criteria: GeneDx Variant Classification Process June 2021. Collection method: clinical testing. Allele origin: germline. Affected: yes.
Comment: Not observed in large population cohorts (gnomAD); In silico analysis supports that this missense variant does not alter protein structure/function; Has not been previously published as pathogenic or benign to our knowledge

NM_003238.6(TGFB2):c.863C>G (p.Ser288Cys)

Gene: TGFB2 (transforming growth factor beta 2; plus strand). Cytogenetic location: 1q41.
Variant type: single nucleotide variant.
Coding change: c.863C>G on transcript NM_003238.6 (MANE Select); coding-DNA position 863, C replaced by G.
Protein change: p.Ser288Cys; replaces serine 288 with cysteine.
Molecular consequence: missense variant.
Genome position (GRCh38, 1-based): chr1:218,436,078, C>G. VCF-style: chr1-218436078-C-G. GRCh37 (hg19) VCF-style: chr1-218609420-C-G.
Other names: c.947C>G, p.Ser316Cys (NM_001135599.4); short protein forms S288C, S316C.
Identifiers: ClinVar variation 1197783 (VCV001197783.3), dbSNP rs2102628591, ClinGen allele CA344727226.